The following is an entry in ClinVar:

ClinVar aggregate classification (germline): Uncertain significance (1 of 4 stars; one submission).

Submission:

GeneDx
Classification: Uncertain significance. Last evaluated: 2024-11-08. Review status: criteria provided, single submitter. Criteria: GeneDx Variant Classification Process June 2021. Collection method: clinical testing. Allele origin: germline.
Comment: Not observed at significant frequency in large population cohorts (gnomAD); In silico analysis supports a deleterious effect on splicing; Has not been previously published as pathogenic or benign to our knowledge; Variants in candidate genes are classified as variants of uncertain significance in accordance with ACMG guidelines (PMID: 25741868); Canonical splice site variant in a gene for which loss-of-function is not an established mechanism of disease

NM_002332.3(LRP1):c.10108+4_10108+7del

Gene: LRP1 (LDL receptor related protein 1; plus strand). Cytogenetic location: 12q13.3.
Variant type: Deletion.
Coding change: c.10108+4_10108+7del on transcript NM_002332.3 (MANE Select); bases 4 to 7 of the intron after coding-DNA position 10108, 4 bases deleted (AGTG; older notation c.10108+4_10108+7delAGTG).
Molecular consequence: splice donor variant.
Genome position (GRCh38, 1-based): chr12:57,200,539-57,200,542, AGTG deleted; deleting any 4 consecutive bases within chr12:57,200,536-57,200,542 gives the same sequence; the c. name uses the placement nearest the transcript's 3' end. VCF-style (leftmost placement, unchanged base first): chr12-57200535-CGTGA-C. GRCh37 (hg19) VCF-style: chr12-57594318-CGTGA-C.
Identifiers: ClinVar variation 4975076 (VCV004975076.1).